The following is an entry in ClinVar:

NM_002878.4(RAD51D):c.83-11T>C

Genes: RAD51L3-RFFL (RAD51L3-RFFL readthrough; minus strand), RAD51D (RAD51 paralog D; minus strand). Cytogenetic location: 17q12.
Variant type: single nucleotide variant.
Coding change: c.83-11T>C on transcript NM_002878.4 (MANE Select); 11 bases into the intron before coding-DNA position 83, T replaced by C.
Molecular consequence: intron variant.
Genome position (GRCh38, 1-based): chr17:35,119,183, A>G on the plus strand (T>C on the coding strand, the complement: RAD51D is on the minus strand). VCF-style: chr17-35119183-A-G. GRCh37 (hg19) VCF-style: chr17-33446202-A-G.
Other names: c.83-11T>C (NM_133629.3, NM_001142571.2).
Identifiers: ClinVar variation 1644027 (VCV001644027.9), dbSNP rs2142478047, ClinGen allele CA2573153703.

ClinVar aggregate classification (germline): Likely benign. Review status: criteria provided, multiple submitters, no conflicts (2 of 4 stars). 2 submissions from 2 submitters: Likely benign (2). Last evaluated 2025-02-20.

Conditions:
Breast-ovarian cancer, familial, susceptibility to, 4. Identifiers: Orphanet 145, MedGen C3280345, MONDO:0013669, OMIM 614291.

Submissions (2):

Myriad Genetics, Inc.
Classification: Likely benign for Breast-ovarian cancer, familial, susceptibility to, 4. Last evaluated: 2025-02-20. Review status: criteria provided, single submitter. Criteria: Myriad Autosomal Dominant, Autosomal Recessive and X-Linked Classification Criteria (2023). Collection method: clinical testing. Allele origin: unknown.
Comment: This variant is considered likely benign. This variant is intronic and is not expected to impact mRNA splicing.

Labcorp Genetics (formerly Invitae), Labcorp
Classification: Likely benign for Breast-ovarian cancer, familial, susceptibility to, 4. Last evaluated: 2021-11-26. Review status: criteria provided, single submitter. Criteria: Invitae Variant Classification Sherloc (09022015). Collection method: clinical testing. Allele origin: germline.